The following is an entry in ClinVar:

NM_000371.4(TTR):c.62G>C (p.Gly21Ala)

Gene: TTR (transthyretin; plus strand). Cytogenetic location: 18q12.1.
Variant type: single nucleotide variant.
Coding change: c.62G>C on transcript NM_000371.4 (MANE Select); coding-DNA position 62, G replaced by C.
Protein change: p.Gly21Ala; replaces glycine 21 with alanine.
Molecular consequence: missense variant.
Genome position (GRCh38, 1-based): chr18:31,591,964, G>C. VCF-style: chr18-31591964-G-C. GRCh37 (hg19) VCF-style: chr18-29171927-G-C.
Other names: short protein forms G21A.
Identifiers: ClinVar variation 470719 (VCV000470719.9), dbSNP rs1469623969, ClinGen allele CA402156361.

ClinVar aggregate classification (germline): Uncertain significance. Review status: criteria provided, multiple submitters, no conflicts (2 of 4 stars). 3 submissions from 3 submitters: Uncertain significance (3). Last evaluated 2025-12-29.

Conditions:
Cardiovascular phenotype. Identifiers: MedGen CN230736.
Cardiomyopathy (CMYO). Also called: Cardiomyopathies. Identifiers: Orphanet 167848, MedGen C0878544, MONDO:0004994, HP:0001638. Inheritance: Various modes of inheritance.
Amyloidosis, hereditary systemic 1 (AMYLD1). Also called: Familial amyloid polyneuropathy; Transthyretin Amyloidosis; AMYLOID CARDIOMYOPATHY; Isolated Cardiac Amyloidosis; Amyloid Cardiomyopathy, Transthyretin-related; Hereditary oculoleptomeningeal amyloid angiopathy. Identifiers: Orphanet 85447, Orphanet 85451, MedGen C2751492, MONDO:0971004, OMIM 105210.

Allele frequency attached by ClinVar (database versions not stated): gnomAD exomes below 0.00001; TOPMed below 0.00001.
gnomAD v4.1: 1 of 1,614,112 alleles (0.000062%); highest among the groups gnomAD compares: East Asian, 0.0022%; no homozygotes.

Submissions (3):

Labcorp Genetics (formerly Invitae), Labcorp
Classification: Uncertain significance for Amyloidosis, hereditary systemic 1. Last evaluated: 2025-12-29. Review status: criteria provided, single submitter. Criteria: Invitae Variant Classification Sherloc (09022015). Collection method: clinical testing. Allele origin: germline.
Comment: This sequence change replaces glycine, which is neutral and non-polar, with alanine, which is neutral and non-polar, at codon 21 of the TTR protein (p.Gly21Ala). This variant is not present in population databases (gnomAD no frequency). This variant has not been reported in the literature in individuals affected with TTR-related conditions. ClinVar contains an entry for this variant (Variation ID: 470719). Invitae Evidence Modeling of protein sequence and biophysical properties (such as structural, functional, and spatial information, amino acid conservation, physicochemical variation, residue mobility, and thermodynamic stability) indicates that this missense variant is not expected to disrupt TTR protein function with a negative predictive value of 95%. In summary, the available evidence is currently insufficient to determine the role of this variant in disease. Therefore, it has been classified as a Variant of Uncertain Significance.

Ambry Genetics
Classification: Uncertain significance for Cardiovascular phenotype. Last evaluated: 2023-10-24. Review status: criteria provided, single submitter. Criteria: Ambry Variant Classification Scheme 2023. Collection method: clinical testing. Allele origin: germline.
Comment: The p.G21A variant (also known as c.62G>C), located in coding exon 1 of the TTR gene, results from a G to C substitution at nucleotide position 62. The glycine at codon 21 is replaced by alanine, an amino acid with similar properties. This amino acid position is not well conserved in available vertebrate species. In addition, this alteration is predicted to be tolerated by in silico analysis. Since supporting evidence is limited at this time, the clinical significance of this alteration remains unclear.

CHEO Genetics Diagnostic Laboratory, Children's Hospital of Eastern Ontario
Classification: Uncertain significance for Cardiomyopathy. Last evaluated: 2021-08-04. Review status: criteria provided, single submitter. Criteria: ACMG Guidelines, 2015. Collection method: clinical testing. Allele origin: germline.